The following is an entry in ClinVar:

ClinVar aggregate classification (germline): Uncertain significance (1 of 4 stars; one submission).

Conditions:
Facioscapulohumeral muscular dystrophy 2 (FSHD2). Also called: MUSCULAR DYSTROPHY, FACIOSCAPULOHUMERAL, TYPE 1B; FACIOSCAPULOHUMERAL MUSCULAR DYSTROPHY 2, DIGENIC; FSHD2, DIGENIC. Identifiers: Orphanet 269, MedGen C1834671, MONDO:0008031, OMIM 158901.

Submission:

Labcorp Genetics (formerly Invitae), Labcorp
Classification: Uncertain significance for Facioscapulohumeral muscular dystrophy 2. Last evaluated: 2025-04-14. Review status: criteria provided, single submitter. Criteria: Invitae Variant Classification Sherloc (09022015). Collection method: clinical testing. Allele origin: germline.
Comment: This sequence change replaces isoleucine, which is neutral and non-polar, with serine, which is neutral and polar, at codon 1555 of the SMCHD1 protein (p.Ile1555Ser). This variant is not present in population databases (gnomAD no frequency). This variant has not been reported in the literature in individuals affected with SMCHD1-related conditions. Invitae Evidence Modeling of protein sequence and biophysical properties (such as structural, functional, and spatial information, amino acid conservation, physicochemical variation, residue mobility, and thermodynamic stability) indicates that this missense variant is not expected to disrupt SMCHD1 protein function with a negative predictive value of 80%. In summary, the available evidence is currently insufficient to determine the role of this variant in disease. Therefore, it has been classified as a Variant of Uncertain Significance.

NM_015295.3(SMCHD1):c.4664T>G (p.Ile1555Ser)

Gene: SMCHD1 (structural maintenance of chromosomes flexible hinge domain containing 1; plus strand). Cytogenetic location: 18p11.32.
Variant type: single nucleotide variant.
Coding change: c.4664T>G on transcript NM_015295.3 (MANE Select); coding-DNA position 4664, T replaced by G.
Protein change: p.Ile1555Ser; replaces isoleucine 1555 with serine.
Molecular consequence: missense variant.
Genome position (GRCh38, 1-based): chr18:2,763,734, T>G. VCF-style: chr18-2763734-T-G. GRCh37 (hg19) VCF-style: chr18-2763732-T-G.
Other names: short protein forms I1555S.
Identifiers: ClinVar variation 4739305 (VCV004739305.1).